The following is an entry in ClinVar:

ClinVar aggregate classification (germline): Likely benign. Review status: criteria provided, single submitter (1 of 4 stars). 2 submissions from 2 submitters: Likely benign (1). 1 of the submissions does not count toward it. Last evaluated 2023-07-30.

Conditions:
PLXNA2-related disorder. Also called: PLXNA2-related condition.

Allele frequency attached by ClinVar (database versions not stated): gnomAD 0.00002; gnomAD exomes 0.00005; TOPMed 0.00005; ExAC 0.00007.
gnomAD v4.1: 118 of 1,614,058 alleles (0.0073%); highest among the groups gnomAD compares: Non-Finnish European, 0.0095%; no homozygotes.

Submissions (2):

Labcorp Genetics (formerly Invitae), Labcorp
Classification: Likely benign. Last evaluated: 2023-07-30. Review status: criteria provided, single submitter. Criteria: Invitae Variant Classification Sherloc (09022015). Collection method: clinical testing. Allele origin: germline.

PreventionGenetics, part of Exact Sciences
Classification: Likely benign for PLXNA2-related condition. Last evaluated: 2022-07-14. Review status: no assertion criteria provided. Collection method: clinical testing. Allele origin: germline. Not counted in ClinVar's aggregate classification.
Comment: This variant is classified as likely benign based on ACMG/AMP sequence variant interpretation guidelines (Richards et al. 2015 PMID: 25741868, with internal and published modifications).

NM_025179.4(PLXNA2):c.162C>T (p.Thr54=)

Gene: PLXNA2 (plexin A2; minus strand). Cytogenetic location: 1q32.2.
Variant type: single nucleotide variant.
Coding change: c.162C>T on transcript NM_025179.4 (MANE Select); coding-DNA position 162, C replaced by T.
Protein change: p.Thr54=; no amino-acid change (threonine 54 retained).
Molecular consequence: synonymous variant.
Genome position (GRCh38, 1-based): chr1:208,217,761, G>A on the plus strand (C>T on the coding strand, the complement: PLXNA2 is on the minus strand). VCF-style: chr1-208217761-G-A. GRCh37 (hg19) VCF-style: chr1-208391106-G-A.
Identifiers: ClinVar variation 760377 (VCV000760377.9), dbSNP rs769319130, ClinGen allele CA1374120.